The following is an entry in ClinVar:

ClinVar aggregate classification (germline): Conflicting classifications of pathogenicity. Review status: criteria provided, conflicting classifications (1 of 4 stars). 3 submissions from 3 submitters: Likely pathogenic (1); Uncertain significance (2). Last evaluated 2023-03-15.

Conditions:
EHHADH-related disorder. Also called: EHHADH-related condition.
Fanconi renotubular syndrome 3 (FRTS3). Identifiers: MedGen C3810100, MONDO:0014275, OMIM 615605.

Allele frequency attached by ClinVar (database versions not stated): ExAC 0.00001; gnomAD 0.00001; TOPMed 0.00001.
gnomAD v4.1: 27 of 1,614,080 alleles (0.0017%); highest among the groups gnomAD compares: Non-Finnish European, 0.0022%; no homozygotes.

Submissions (3):

PreventionGenetics, part of Exact Sciences
Classification: Uncertain significance for EHHADH-related condition. Last evaluated: 2023-03-15. Review status: criteria provided, single submitter. Criteria: ACMG Guidelines, 2015. Collection method: clinical testing. Allele origin: germline.
Comment: The EHHADH c.673C>G variant is predicted to result in the amino acid substitution p.Pro225Ala. To our knowledge, this variant has not been reported in the literature. This variant is reported in 0.0028% of alleles in individuals of Latino descent in gnomAD. At this time, the clinical significance of this variant is uncertain due to the absence of conclusive functional and genetic evidence.

Laboratory of Cyto-molecular Genetics, Department of Anatomy, All India Institute of Medical Sciences (AIIMS), New Delhi
Classification: Likely pathogenic for Fanconi renotubular syndrome 3. Last evaluated: 2022-03-07. Review status: criteria provided, single submitter. Criteria: ACMG Guidelines, 2015. Collection method: clinical testing. Allele origin: germline. Affected: yes. Observed: 3 variant alleles.
Comment: p.(Leu129Ile), missense variant

Eurofins Ntd Llc (ga)
Classification: Uncertain significance. Last evaluated: 2017-11-28. Review status: criteria provided, single submitter. Criteria: EGL Classification Definitions 2015. Collection method: clinical testing. Allele origin: germline. Observed: 1 variant allele, 1 heterozygote.

Literature cited by the submitters: PubMed 35738466 (cited by Laboratory of Cyto-molecular Genetics, Department of Anatomy, All India Institute of Medical Sciences (AIIMS), New Delhi).

NM_001966.4(EHHADH):c.673C>G (p.Pro225Ala)

Gene: EHHADH (enoyl-CoA hydratase and 3-hydroxyacyl CoA dehydrogenase; minus strand). Cytogenetic location: 3q27.2.
Variant type: single nucleotide variant.
Coding change: c.673C>G on transcript NM_001966.4 (MANE Select); coding-DNA position 673, C replaced by G.
Protein change: p.Pro225Ala; replaces proline 225 with alanine.
Molecular consequence: missense variant.
Genome position (GRCh38, 1-based): chr3:185,204,653, G>C on the plus strand (C>G on the coding strand, the complement: EHHADH is on the minus strand). VCF-style: chr3-185204653-G-C. GRCh37 (hg19) VCF-style: chr3-184922441-G-C.
Other names: c.385C>G, p.Pro129Ala (NM_001166415.2); c.673C>G (NM_001966.3); short protein forms P225A, P129A.
Identifiers: ClinVar variation 595172 (VCV000595172.8), dbSNP rs762656795, ClinGen allele CA2739154.